The following is an entry in ClinVar:

NM_205768.3(ZBTB18):c.740G>A (p.Cys247Tyr)

Gene: ZBTB18 (zinc finger and BTB domain containing 18; plus strand). Cytogenetic location: 1q44.
Variant type: single nucleotide variant.
Coding change: c.740G>A on transcript NM_205768.3 (MANE Select); coding-DNA position 740, G replaced by A.
Protein change: p.Cys247Tyr; replaces cysteine 247 with tyrosine.
Molecular consequence: missense variant. On other transcripts: intron variant (1).
Genome position (GRCh38, 1-based): chr1:244,054,514, G>A. VCF-style: chr1-244054514-G-A. GRCh37 (hg19) VCF-style: chr1-244217816-G-A.
Other names: c.701+39G>A (NM_001421566.1); c.713G>A, p.Cys238Tyr (NM_001278196.2, NM_006352.5); short protein forms C238Y, C247Y.
Identifiers: ClinVar variation 3686869 (VCV003686869.2).

ClinVar aggregate classification (germline): Uncertain significance (1 of 4 stars; one submission).

gnomAD v4.1: 5 of 1,614,240 alleles (0.00031%); highest among the groups gnomAD compares: Non-Finnish European, 0.00042%; no homozygotes.

Submission:

Labcorp Genetics (formerly Invitae), Labcorp
Classification: Uncertain significance. Last evaluated: 2025-01-08. Review status: criteria provided, single submitter. Criteria: Invitae Variant Classification Sherloc (09022015). Collection method: clinical testing. Allele origin: germline.
Comment: This sequence change replaces cysteine, which is neutral and slightly polar, with tyrosine, which is neutral and polar, at codon 247 of the ZBTB18 protein (p.Cys247Tyr). This variant is not present in population databases (gnomAD no frequency). This variant has not been reported in the literature in individuals affected with ZBTB18-related conditions. An algorithm developed to predict the effect of missense changes on protein structure and function (PolyPhen-2) suggests that this variant is likely to be disruptive. In summary, the available evidence is currently insufficient to determine the role of this variant in disease. Therefore, it has been classified as a Variant of Uncertain Significance.